The following is an entry in ClinVar:

ClinVar aggregate classification (germline): Pathogenic/Likely pathogenic. Review status: criteria provided, multiple submitters, no conflicts (2 of 4 stars). 2 submissions from 2 submitters: Pathogenic (1); Likely pathogenic (1). Last evaluated 2023-07-16.

Submissions (2):

Labcorp Genetics (formerly Invitae), Labcorp
Classification: Pathogenic. Last evaluated: 2023-07-16. Review status: criteria provided, single submitter. Criteria: Invitae Variant Classification Sherloc (09022015). Collection method: clinical testing. Allele origin: germline.
Comment: Algorithms developed to predict the effect of sequence changes on RNA splicing suggest that this variant may disrupt the consensus splice site. For these reasons, this variant has been classified as Pathogenic. ClinVar contains an entry for this variant (Variation ID: 988486). This variant has not been reported in the literature in individuals affected with LOXHD1-related conditions. This variant is not present in population databases (gnomAD no frequency). This sequence change creates a premature translational stop signal (p.Trp492*) in the LOXHD1 gene. It is expected to result in an absent or disrupted protein product. Loss-of-function variants in LOXHD1 are known to be pathogenic (PMID: 19732867, 21465660, 25792669).

Clinical Genetics and Genomics, Karolinska University Hospital
Classification: Likely pathogenic. Last evaluated: 2017-06-19. Review status: criteria provided, single submitter. Criteria: ACMG Guidelines, 2015. Collection method: clinical testing. Allele origin: germline. Affected: yes. Observed: 3 variant alleles.

Literature cited by the submitters: PubMed 19732867 (cited by Labcorp Genetics (formerly Invitae), Labcorp); PubMed 21465660 (cited by Labcorp Genetics (formerly Invitae), Labcorp); PubMed 25792669 (cited by Labcorp Genetics (formerly Invitae), Labcorp).

NM_001384474.1(LOXHD1):c.1475G>A (p.Trp492Ter)

Gene: LOXHD1 (lipoxygenase homology PLAT domains 1; minus strand). Cytogenetic location: 18q21.1.
Variant type: single nucleotide variant.
Coding change: c.1475G>A on transcript NM_001384474.1 (MANE Select); coding-DNA position 1475, G replaced by A.
Protein change: p.Trp492Ter; replaces tryptophan 492 with a stop codon.
Molecular consequence: nonsense.
Genome position (GRCh38, 1-based): chr18:46,592,541, C>T on the plus strand (G>A on the coding strand, the complement: LOXHD1 is on the minus strand). VCF-style: chr18-46592541-C-T. GRCh37 (hg19) VCF-style: chr18-44172504-C-T.
Other names: c.1475G>A, p.Trp492Ter (NM_144612.7); short protein forms W492*.
Identifiers: ClinVar variation 988486 (VCV000988486.4), dbSNP rs2038190712, ClinGen allele CA402380454.